The following is an entry in ClinVar:

ClinVar aggregate classification (germline): Likely pathogenic. Review status: criteria provided, multiple submitters, no conflicts (2 of 4 stars). 3 submissions from 3 submitters: Likely pathogenic (2). 1 of the submissions does not count toward it. Last evaluated 2025-08-26.

Conditions:
RFT1-congenital disorder of glycosylation (CDG1N). Also called: Congenital disorder of glycosylation type In; RFT1-CDG; CDG In. Identifiers: Orphanet 244310, MedGen C2677590, MONDO:0012783, OMIM 612015.

Allele frequency attached by ClinVar (database versions not stated): ExAC 0.00001; gnomAD exomes 0.00002; TOPMed 0.00002.
gnomAD v4.1: 31 of 1,612,434 alleles (0.0019%); highest among the groups gnomAD compares: East Asian, 0.0022%; no homozygotes.

Submissions (3):

Labcorp Genetics (formerly Invitae), Labcorp
Classification: Likely pathogenic for RFT1-congenital disorder of glycosylation. Last evaluated: 2025-08-26. Review status: criteria provided, single submitter. Criteria: Invitae Variant Classification Sherloc (09022015). Collection method: clinical testing. Allele origin: germline.
Comment: This sequence change replaces arginine, which is basic and polar, with glutamine, which is neutral and polar, at codon 442 of the RFT1 protein (p.Arg442Gln). This variant is present in population databases (rs749968109, gnomAD 0.006%). This missense change has been observed in individual(s) with clinical features of RFT1-congenital disorder of glycosylation (PMID: 23111317, 26892341). It has also been observed to segregate with disease in related individuals. ClinVar contains an entry for this variant (Variation ID: 207991). Invitae Evidence Modeling of protein sequence and biophysical properties (such as structural, functional, and spatial information, amino acid conservation, physicochemical variation, residue mobility, and thermodynamic stability) indicates that this missense variant is expected to disrupt RFT1 protein function with a positive predictive value of 80%. In summary, the currently available evidence indicates that the variant is pathogenic, but additional data are needed to prove that conclusively. Therefore, this variant has been classified as Likely Pathogenic.

Juno Genomics, Hangzhou Juno Genomics, Inc
Classification: Likely pathogenic for RFT1-congenital disorder of glycosylation. Review status: criteria provided, single submitter. Criteria: ACMG Guidelines, 2015. Collection method: clinical testing. Allele origin: germline. Affected: yes.
Comment: Absent from controls (or at extremely low frequency if recessive) in Genome Aggregation Database, Exome Sequencing Project, 1000 Genomes Project, or Exome Aggregation Consortium.;Multiple lines of computational evidence support a deleterious effect on the gene or gene product (conservation, evolutionary, splicing impact, etc).;For recessive disorders, detected in trans with a pathogenic variant.;Patient's phenotype or family history is highly specific for a disease with a single genetic etiology.

OMIM
Classification: Pathogenic for CONGENITAL DISORDER OF GLYCOSYLATION, TYPE In. Last evaluated: 2012-12-01. Review status: no assertion criteria provided. Collection method: literature only. Allele origin: germline. Not counted in ClinVar's aggregate classification.

Literature cited by the submitters: PubMed 23111317 (cited by Labcorp Genetics (formerly Invitae), Labcorp and OMIM); PubMed 26892341 (cited by Labcorp Genetics (formerly Invitae), Labcorp).

NM_052859.4(RFT1):c.1325G>A (p.Arg442Gln)

Gene: RFT1 (RFT1 glycolipid translocator homolog; minus strand). Cytogenetic location: 3p21.1.
Variant type: single nucleotide variant.
Coding change: c.1325G>A on transcript NM_052859.4 (MANE Select); coding-DNA position 1325, G replaced by A.
Protein change: p.Arg442Gln; replaces arginine 442 with glutamine.
Molecular consequence: missense variant.
Genome position (GRCh38, 1-based): chr3:53,092,502, C>T on the plus strand (G>A on the coding strand, the complement: RFT1 is on the minus strand). VCF-style: chr3-53092502-C-T. GRCh37 (hg19) VCF-style: chr3-53126518-C-T.
Other names: short protein forms R442Q.
Identifiers: ClinVar variation 207991 (VCV000207991.7), dbSNP rs749968109, ClinGen allele CA275927.
Genomic context (GRCh38, chr3:53,092,502, plus strand): 5'-AGGGGCCTGTGGGGGCTCCTTCGGTAGTAGCGGTGGATGAAGCAAAGGCTCTGCGTGATC[C>T]GAATGCCCATGTTAAAGCAGTTGGCCAAGATGAAGCCCACGCTGCCACACCAACGGGTCA-3'
Protein context (NP_443091.1, residues 432-452): ILANCFNMGI[Arg442Gln]ITQSLCFIHR